The following is an entry in ClinVar:

ClinVar aggregate classification (germline): Uncertain significance (1 of 4 stars; one submission).

Submission:

GeneDx
Classification: Uncertain significance. Last evaluated: 2023-02-09. Review status: criteria provided, single submitter. Criteria: GeneDx Variant Classification Process June 2021. Collection method: clinical testing. Allele origin: germline. Affected: yes.
Comment: Not observed at significant frequency in large population cohorts (gnomAD); In silico analysis supports that this missense variant has a deleterious effect on protein structure/function; Has not been previously published as pathogenic or benign to our knowledge

NM_003470.3(USP7):c.2758G>C (p.Asp920His)

Gene: USP7 (ubiquitin specific peptidase 7; minus strand). Cytogenetic location: 16p13.2.
Variant type: single nucleotide variant.
Coding change: c.2758G>C on transcript NM_003470.3 (MANE Select); coding-DNA position 2758, G replaced by C.
Protein change: p.Asp920His; replaces aspartic acid 920 with histidine.
Molecular consequence: missense variant. On other transcripts: non-coding transcript variant (1).
Genome position (GRCh38, 1-based): chr16:8,897,060, C>G on the plus strand (G>C on the coding strand, the complement: USP7 is on the minus strand). VCF-style: chr16-8897060-C-G. GRCh37 (hg19) VCF-style: chr16-8990917-C-G.
Other names: c.2710G>C, p.Asp904His (NM_001286457.2); c.2461G>C, p.Asp821His (NM_001286458.2); c.2584G>C, p.Asp862His (NM_001321858.2); short protein forms D821H, D862H, D904H, D920H.
Identifiers: ClinVar variation 2575815 (VCV002575815.1), dbSNP rs2549216509, ClinGen allele CA394696994.